The following is an entry in ClinVar:

NM_000512.5(GALNS):c.467T>C (p.Phe156Ser)

Gene: GALNS (galactosamine (N-acetyl)-6-sulfatase; minus strand). Cytogenetic location: 16q24.3.
Variant type: single nucleotide variant.
Coding change: c.467T>C on transcript NM_000512.5 (MANE Select); coding-DNA position 467, T replaced by C.
Protein change: p.Phe156Ser; replaces phenylalanine 156 with serine.
Molecular consequence: missense variant. On other transcripts: 5 prime UTR variant (1).
Genome position (GRCh38, 1-based): chr16:88,837,721, A>G on the plus strand (T>C on the coding strand, the complement: GALNS is on the minus strand). VCF-style: chr16-88837721-A-G. GRCh37 (hg19) VCF-style: chr16-88904129-A-G.
Other names: c.-89T>C (NM_001323543.2); c.485T>C, p.Phe162Ser (NM_001323544.2); short protein forms F156S, F162S.
Identifiers: ClinVar variation 1048463 (VCV001048463.3), dbSNP rs1301146300, ClinGen allele CA397083317.

ClinVar aggregate classification (germline): Uncertain significance (1 of 4 stars; one submission).

Conditions:
Mucopolysaccharidosis, MPS-IV-A (MPS4A). Also called: Mucopolysaccharidosis type IV A; Mucopolysaccharidosis Type IVA; Morquio syndrome A, mild; MORQUIO SYNDROME A; MPS IVA; mucopolysaccharidosis type 4A. Identifiers: Orphanet 309297, Orphanet 582, MedGen C0086651, MONDO:0009659, OMIM 253000.

gnomAD v4.1: 1 of 1,613,998 alleles (0.000062%); highest among the groups gnomAD compares: Non-Finnish European, 0.000085%; no homozygotes.

Submission:

Laboratory of Diagnosis and Therapy of Lysosomal Disorders, University of Padova
Classification: Uncertain significance for Mucopolysaccharidosis, MPS-IV-A. Last evaluated: 2021-02-01. Review status: criteria provided, single submitter. Criteria: ACMG Guidelines, 2015. Collection method: curation. Allele origin: germline. Affected: yes.
Comment: Absent from gnomAD v2.1.1 (PM2_moderate); multiple lines of computational evidence support a deleterious effect on the gene (PP3_supporting)

Literature cited by the submitters: PubMed 16287098; PubMed 9298823; PubMed 34387910.